The following is an entry in ClinVar:

ClinVar aggregate classification (germline): Likely benign. Review status: criteria provided, multiple submitters, no conflicts (2 of 4 stars). 3 submissions from 3 submitters: Likely benign (3). Last evaluated 2024-10-21.

Conditions:
D2HGDH-related disorder. Also called: D2HGDH-related condition.
D-2-hydroxyglutaric aciduria 1 (D2HGA1). Identifiers: Orphanet 79315, MedGen C3152055, MONDO:0024554, OMIM 600721.

Allele frequency attached by ClinVar (database versions not stated): ExAC 0.00003; gnomAD exomes 0.00005 and 0.00007; ESP Exome Variant Server 0.00008; TOPMed 0.00008; gnomAD 0.00009; 1000 Genomes Project 0.00020; 1000 Genomes Project 30x 0.00031.
gnomAD v4.1: 109 of 1,592,178 alleles (0.0068%); highest among the groups gnomAD compares: Middle Eastern, 0.033%; 1 homozygote.

Submissions (3):

PreventionGenetics, part of Exact Sciences
Classification: Likely benign for D2HGDH-related condition. Last evaluated: 2024-10-21. Review status: criteria provided, single submitter. Criteria: ACMG Guidelines, 2015. Collection method: clinical testing. Allele origin: germline.
Comment: This variant is classified as likely benign based on ACMG/AMP sequence variant interpretation guidelines (Richards et al. 2015 PMID: 25741868, with internal and published modifications).

Labcorp Genetics (formerly Invitae), Labcorp
Classification: Likely benign for D-2-hydroxyglutaric aciduria 1. Last evaluated: 2023-10-04. Review status: criteria provided, single submitter. Criteria: Invitae Variant Classification Sherloc (09022015). Collection method: clinical testing. Allele origin: germline.

Blueprint Genetics
Classification: Likely benign. Last evaluated: 2020-10-14. Review status: criteria provided, single submitter. Criteria: ACMG Guidelines, 2015. Collection method: clinical testing. Allele origin: germline.

NM_152783.5(D2HGDH):c.1306+10G>A

Gene: D2HGDH (D-2-hydroxyglutarate dehydrogenase; plus strand). Cytogenetic location: 2q37.3.
Variant type: single nucleotide variant.
Coding change: c.1306+10G>A on transcript NM_152783.5 (MANE Select); 10 bases into the intron after coding-DNA position 1306, G replaced by A.
Molecular consequence: intron variant.
Genome position (GRCh38, 1-based): chr2:241,756,024, G>A. VCF-style: chr2-241756024-G-A. GRCh37 (hg19) VCF-style: chr2-242695439-G-A.
Other names: c.1306+10G>A (NM_152783.4); c.745+10G>A (NM_001352824.2); c.904+10G>A (NM_001287249.2).
Identifiers: ClinVar variation 1103975 (VCV001103975.9), dbSNP rs375156639, ClinGen allele CA2222158.